The following is an entry in ClinVar:

ClinVar aggregate classification (germline): Uncertain significance (1 of 4 stars; one submission).

Conditions:
Arrhythmogenic right ventricular dysplasia 9 (ARVD9). Also called: Arrhythmogenic Right Ventricular Dysplasia/Cardiomyopathy 9; ARRHYTHMOGENIC RIGHT VENTRICULAR DYSPLASIA, FAMILIAL, 9. Identifiers: MedGen C1836906, MONDO:0012180, OMIM 609040.

gnomAD v4.1: 1 of 1,614,052 alleles (0.000062%); highest among the groups gnomAD compares: East Asian, 0.0022%; no homozygotes.

Submission:

Labcorp Genetics (formerly Invitae), Labcorp
Classification: Uncertain significance for Arrhythmogenic right ventricular dysplasia 9. Last evaluated: 2025-04-19. Review status: criteria provided, single submitter. Criteria: Invitae Variant Classification Sherloc (09022015). Collection method: clinical testing. Allele origin: germline.
Comment: This sequence change replaces threonine, which is neutral and polar, with lysine, which is basic and polar, at codon 710 of the PKP2 protein (p.Thr710Lys). This variant is present in population databases (no rsID available, gnomAD 0.006%). This variant has not been reported in the literature in individuals affected with PKP2-related conditions. An algorithm developed to predict the effect of missense changes on protein structure and function (PolyPhen-2) suggests that this variant is likely to be disruptive. In summary, the available evidence is currently insufficient to determine the role of this variant in disease. Therefore, it has been classified as a Variant of Uncertain Significance.

NM_001005242.3(PKP2):c.1997C>A (p.Thr666Lys)

Gene: PKP2 (plakophilin 2; minus strand). Cytogenetic location: 12p11.21.
Variant type: single nucleotide variant.
Coding change: c.1997C>A on transcript NM_001005242.3 (MANE Select); coding-DNA position 1997, C replaced by A.
Protein change: p.Thr666Lys; replaces threonine 666 with lysine.
Molecular consequence: missense variant.
Genome position (GRCh38, 1-based): chr12:32,821,372, G>T on the plus strand (C>A on the coding strand, the complement: PKP2 is on the minus strand). VCF-style: chr12-32821372-G-T. GRCh37 (hg19) VCF-style: chr12-32974306-G-T.
Other names: c.1997C>A, p.Thr666Lys (NM_001407155.1, NM_001407161.1); c.1832C>A, p.Thr611Lys (NM_001407156.1); c.2129C>A, p.Thr710Lys (NM_001407157.1, NM_004572.4); c.1670C>A, p.Thr557Lys (NM_001407158.1, NM_001407159.1, NM_001407160.1 and 1 more transcripts); short protein forms T557K, T611K, T710K, T666K.
Identifiers: ClinVar variation 4691722 (VCV004691722.1).